The following is an entry in ClinVar:

NM_001077620.3(PRCD):c.64C>G (p.Arg22Gly)

Genes: CYGB (cytoglobin; minus strand), PRCD (photoreceptor disc component; plus strand). Cytogenetic location: 17q25.1.
Variant type: single nucleotide variant.
Coding change: c.64C>G on transcript NM_001077620.3 (MANE Select); coding-DNA position 64, C replaced by G.
Protein change: p.Arg22Gly; replaces arginine 22 with glycine.
Molecular consequence: missense variant.
Genome position (GRCh38, 1-based): chr17:76,540,205, C>G. VCF-style: chr17-76540205-C-G. GRCh37 (hg19) VCF-style: chr17-74536287-C-G.
Other names: short protein forms R22G.
Identifiers: ClinVar variation 2017004 (VCV002017004.4), dbSNP rs387907268, ClinGen allele CA401181012.

ClinVar aggregate classification (germline): Uncertain significance (1 of 4 stars; one submission).

gnomAD v4.1: 3 of 1,587,432 alleles (0.00019%); highest among the groups gnomAD compares: South Asian, 0.0011%; no homozygotes.

Submission:

Labcorp Genetics (formerly Invitae), Labcorp
Classification: Uncertain significance. Last evaluated: 2022-07-14. Review status: criteria provided, single submitter. Criteria: Invitae Variant Classification Sherloc (09022015). Collection method: clinical testing. Allele origin: germline.
Comment: This variant has not been reported in the literature in individuals affected with PRCD-related conditions. This variant is present in population databases (no rsID available, gnomAD 0.003%). This sequence change replaces arginine, which is basic and polar, with glycine, which is neutral and non-polar, at codon 22 of the PRCD protein (p.Arg22Gly). Algorithms developed to predict the effect of missense changes on protein structure and function are either unavailable or do not agree on the potential impact of this missense change (SIFT: "Deleterious"; PolyPhen-2: "Benign"; Align-GVGD: "Class C65"). In summary, the available evidence is currently insufficient to determine the role of this variant in disease. Therefore, it has been classified as a Variant of Uncertain Significance.